The following is an entry in ClinVar:

ClinVar aggregate classification (germline): Conflicting classifications of pathogenicity. Review status: criteria provided, conflicting classifications (1 of 4 stars). 9 submissions from 8 submitters: Uncertain significance (8); Likely benign (1). Last evaluated 2025-01-01.

Conditions:
Emery-Dreifuss muscular dystrophy 4, autosomal dominant (EDMD4). Also called: EMERY-DREIFUSS MUSCULAR DYSTROPHY 4 WITH VARIABLE FEATURES. Identifiers: Orphanet 261, MedGen C2751807, MONDO:0013071, OMIM 612998.
Autosomal recessive ataxia, Beauce type. Also called: SYNE1 Deficiency; SYNE1-Related Autosomal Recessive Cerebellar Ataxia; ATAXIA, RECESSIVE, OF BEAUCE; Spinocerebellar ataxia, autosomal recessive 8. Identifiers: Orphanet 88644, MedGen C1853116, MONDO:0012549, OMIM 610743.

Allele frequency attached by ClinVar (database versions not stated): ExAC 0.00002; gnomAD exomes 0.00004 and 0.00026; TOPMed 0.00007; ESP Exome Variant Server 0.00008; gnomAD 0.00009.
gnomAD v4.1: 393 of 1,614,054 alleles (0.024%); highest among the groups gnomAD compares: Non-Finnish European, 0.032%; no homozygotes.

Submissions (9):

CeGaT Center for Human Genetics Tuebingen
Classification: Uncertain significance. Last evaluated: 2025-01-01. Review status: criteria provided, single submitter. Criteria: CeGaT Center For Human Genetics Tuebingen Variant Classification Criteria Version 2. Collection method: clinical testing. Allele origin: germline. Affected: yes. Observed: 1 variant allele.
Comment: SYNE1: PM2, BP4

Mayo Clinic Laboratories, Mayo Clinic
Classification: Uncertain significance. Last evaluated: 2024-05-01. Review status: criteria provided, single submitter. Criteria: ACMG Guidelines, 2015. Collection method: clinical testing. Allele origin: germline. Observed: 1 variant allele.

Labcorp Genetics (formerly Invitae), Labcorp
Classification: Uncertain significance for Emery-Dreifuss muscular dystrophy 4, autosomal dominant; Autosomal recessive ataxia, Beauce type. Last evaluated: 2022-03-18. Review status: criteria provided, single submitter. Criteria: Invitae Variant Classification Sherloc (09022015). Collection method: clinical testing. Allele origin: germline.
Comment: This sequence change replaces glutamic acid, which is acidic and polar, with alanine, which is neutral and non-polar, at codon 6649 of the SYNE1 protein (p.Glu6649Ala). This variant is present in population databases (rs367790193, gnomAD 0.01%). This variant has not been reported in the literature in individuals affected with SYNE1-related conditions. ClinVar contains an entry for this variant (Variation ID: 290455). Algorithms developed to predict the effect of missense changes on protein structure and function (SIFT, PolyPhen-2, Align-GVGD) all suggest that this variant is likely to be disruptive. In summary, the available evidence is currently insufficient to determine the role of this variant in disease. Therefore, it has been classified as a Variant of Uncertain Significance.

Athena Diagnostics
Classification: Uncertain significance. Last evaluated: 2019-06-27. Review status: criteria provided, single submitter. Criteria: Athena Diagnostics Criteria. Collection method: clinical testing. Allele origin: germline.

CENTOGENE GmbH and LLC - Guiding Precision Medicine
Classification: Uncertain significance for Autosomal recessive ataxia, Beauce type. Last evaluated: 2019-06-17. Review status: criteria provided, single submitter. Criteria: ACMG Guidelines, 2015. Collection method: clinical testing. Allele origin: germline. Affected: no.

Revvity Omics, Revvity
Classification: Uncertain significance. Last evaluated: 2019-05-13. Review status: criteria provided, single submitter. Criteria: ACMG Guidelines, 2015. Collection method: clinical testing. Allele origin: germline.

Illumina Laboratory Services, Illumina
Classification: Likely benign for Emery-Dreifuss muscular dystrophy 4, autosomal dominant. Last evaluated: 2018-01-13. Review status: criteria provided, single submitter. Criteria: ICSL Variant Classification Criteria 13 December 2019. Collection method: clinical testing. Allele origin: germline.
Comment: This variant was observed in the ICSL laboratory as part of a predisposition screen in an ostensibly healthy population. It had not been previously curated by ICSL or reported in the Human Gene Mutation Database (HGMD: prior to June 1st, 2018), and was therefore a candidate for classification through an automated scoring system. Utilizing variant allele frequency, disease prevalence and penetrance estimates, and inheritance mode, an automated score was calculated to assess if this variant is too frequent to cause the disease. Based on the score and internal cut-off values, a variant classified as likely benign is not then subjected to further curation. The score for this variant resulted in a classification of likely benign for this disease.

Illumina Laboratory Services, Illumina
Classification: Uncertain significance for Autosomal recessive ataxia, Beauce type. Last evaluated: 2018-01-13. Review status: criteria provided, single submitter. Criteria: ICSL Variant Classification Criteria 13 December 2019. Collection method: clinical testing. Allele origin: germline.

Eurofins Ntd Llc (ga)
Classification: Uncertain significance. Last evaluated: 2016-09-20. Review status: criteria provided, single submitter. Criteria: EGL Classification Definitions 2015. Collection method: clinical testing. Allele origin: germline. Observed: 2 variant alleles, 2 heterozygotes.

NM_182961.4(SYNE1):c.20159A>C (p.Glu6720Ala)

Gene: SYNE1 (spectrin repeat containing nuclear envelope protein 1; minus strand). Cytogenetic location: 6q25.2.
Variant type: single nucleotide variant.
Coding change: c.20159A>C on transcript NM_182961.4 (MANE Select); coding-DNA position 20159, A replaced by C.
Protein change: p.Glu6720Ala; replaces glutamic acid 6720 with alanine.
Molecular consequence: missense variant.
Genome position (GRCh38, 1-based): chr6:152,236,857, T>G on the plus strand (A>C on the coding strand, the complement: SYNE1 is on the minus strand). VCF-style: chr6-152236857-T-G. GRCh37 (hg19) VCF-style: chr6-152557992-T-G.
Other names: p.Glu6649Ala; c.19946A>C, p.Glu6649Ala (NM_033071.5); short protein forms E6720A, E6649A.
Identifiers: ClinVar variation 290455 (VCV000290455.32), dbSNP rs367790193, ClinGen allele CA4054484.
Genomic context (GRCh38, chr6:152,236,857, plus strand): 5'-TGGCGGCTTGTAACACCAACCTGGTAGAGTGTTATGCGGTCAATAAGCCTGTCCTCGTTC[T>G]CCTCCACCAGACCCACGCTTGGGATGCTGCTTTCCACCACCTCCAGCTGTCTGCTGAGCT-3'
Protein context (NP_892006.3, residues 6710-6730): SSIPSVGLVE[Glu6720Ala]NEDRLIDRIT